The following is an entry in ClinVar:

ClinVar aggregate classification (germline): Pathogenic. Review status: criteria provided, multiple submitters, no conflicts (2 of 4 stars). 2 submissions from 2 submitters: Pathogenic (2). Last evaluated 2023-04-18.

Conditions:
Fanconi anemia (FA). Also called: Fanconi's anemia. Identifiers: Orphanet 84, MedGen C0015625, MeSH D005199, MONDO:0019391.
Hereditary cancer-predisposing syndrome. Also called: Hereditary Cancer Syndrome; Neoplastic Syndromes, Hereditary; Hereditary neoplastic syndrome; Tumor predisposition. Identifiers: Orphanet 140162, MedGen C0027672, MeSH D009386, MONDO:0015356.

Allele frequency attached by ClinVar (database versions not stated): gnomAD exomes 0.00001.
gnomAD v4.1: 6 of 1,614,070 alleles (0.00037%); highest among the groups gnomAD compares: Non-Finnish European, 0.00051%; no homozygotes.

Submissions (2):

Ambry Genetics
Classification: Pathogenic for Hereditary cancer-predisposing syndrome. Last evaluated: 2023-04-18. Review status: criteria provided, single submitter. Criteria: Ambry Variant Classification Scheme 2023. Collection method: clinical testing. Allele origin: germline.
Comment: The p.Q354* pathogenic mutation (also known as c.1060C>T), located in coding exon 10 of the FANCC gene, results from a C to T substitution at nucleotide position 1060. This changes the amino acid from a glutamine to a stop codon within coding exon 10. This variant is considered to be rare based on population cohorts in the Genome Aggregation Database (gnomAD). This alteration is expected to result in loss of function by premature protein truncation or nonsense-mediated mRNA decay. As such, this alteration is interpreted as a disease-causing mutation.

Labcorp Genetics (formerly Invitae), Labcorp
Classification: Pathogenic for Fanconi anemia. Last evaluated: 2022-09-19. Review status: criteria provided, single submitter. Criteria: Invitae Variant Classification Sherloc (09022015). Collection method: clinical testing. Allele origin: germline.
Comment: For these reasons, this variant has been classified as Pathogenic. Algorithms developed to predict the effect of sequence changes on RNA splicing suggest that this variant may disrupt the consensus splice site. This variant has not been reported in the literature in individuals affected with FANCC-related conditions. This variant is not present in population databases (gnomAD no frequency). This sequence change creates a premature translational stop signal (p.Gln354*) in the FANCC gene. It is expected to result in an absent or disrupted protein product. Loss-of-function variants in FANCC are known to be pathogenic (PMID: 17924555).

Literature cited by the submitters: PubMed 17924555 (cited by Labcorp Genetics (formerly Invitae), Labcorp).

NM_000136.3(FANCC):c.1060C>T (p.Gln354Ter)

Genes: AOPEP (aminopeptidase O (putative); plus strand), FANCC (FA complementation group C; minus strand). Cytogenetic location: 9q22.32.
Variant type: single nucleotide variant.
Coding change: c.1060C>T on transcript NM_000136.3 (MANE Select); coding-DNA position 1060, C replaced by T.
Protein change: p.Gln354Ter; replaces glutamine 354 with a stop codon.
Molecular consequence: nonsense.
Genome position (GRCh38, 1-based): chr9:95,117,327, G>A on the plus strand (C>T on the coding strand, the complement: FANCC is on the minus strand). VCF-style: chr9-95117327-G-A. GRCh37 (hg19) VCF-style: chr9-97879609-G-A.
Other names: c.1060C>T, p.Gln354Ter (NM_001243743.2, NM_001243744.2); short protein forms Q354*.
Identifiers: ClinVar variation 2031217 (VCV002031217.6), dbSNP rs2540991022, ClinGen allele CA374108113.